The following is an entry in ClinVar:

ClinVar aggregate classification (germline): Pathogenic (1 of 4 stars; one submission).

Conditions:
Primary ciliary dyskinesia 3. Identifiers: Orphanet 244, MedGen C1837618, MONDO:0012085, OMIM 608644.

Submission:

Myriad Genetics, Inc.
Classification: Pathogenic for Primary ciliary dyskinesia 3. Last evaluated: 2024-05-14. Review status: criteria provided, single submitter. Criteria: Myriad Autosomal Dominant, Autosomal Recessive and X-Linked Classification Criteria (2023). Collection method: clinical testing. Allele origin: unknown.
Comment: NM_001369.2(DNAH5):c.12647_12648ins11(F4217Kfs*33) is expected to be pathogenic in the context of primary ciliary dyskinesia, DNAH5-related. This variant is predicted to lead to an abnormal or absent protein product due to the creation of a premature termination codon in DNAH5, a gene where loss-of-function variants are known to be pathogenic. Please note: this variant was assessed in the context of healthy population screening.

NM_001369.3(DNAH5):c.12647_12648insTAAGAGACAGT (p.Phe4217fs)

Gene: DNAH5 (dynein axonemal heavy chain 5; minus strand). Cytogenetic location: 5p15.2.
Variant type: Insertion.
Coding change: c.12647_12648insTAAGAGACAGT on transcript NM_001369.3 (MANE Select); coding-DNA positions 12647 to 12648, TAAGAGACAGT inserted.
Protein change: p.Phe4217fs; shifts the reading frame from phenylalanine 4217.
Molecular consequence: frameshift variant.
Genome position: GRCh38 VCF-style: chr5-13717372-G-GACTGTCTCTTA. GRCh37 (hg19) VCF-style: chr5-13717481-G-GACTGTCTCTTA.
Other names: short protein forms F4217fs.
Identifiers: ClinVar variation 5011198 (VCV005011198.1).